The following is an entry in ClinVar:

NM_000383.4(AIRE):c.1298G>A (p.Arg433His)

Gene: AIRE (autoimmune regulator; plus strand). Cytogenetic location: 21q22.3.
Variant type: single nucleotide variant.
Coding change: c.1298G>A on transcript NM_000383.4 (MANE Select); coding-DNA position 1298, G replaced by A.
Protein change: p.Arg433His; replaces arginine 433 with histidine.
Molecular consequence: missense variant.
Genome position (GRCh38, 1-based): chr21:44,293,808, G>A. VCF-style: chr21-44293808-G-A. GRCh37 (hg19) VCF-style: chr21-45713691-G-A.
Other names: short protein forms R433H.
Identifiers: ClinVar variation 2075793 (VCV002075793.3), dbSNP rs376768936, ClinGen allele CA10052047.

ClinVar aggregate classification (germline): Uncertain significance (1 of 4 stars; one submission).

Conditions:
Polyglandular autoimmune syndrome, type 1 (APS1). Also called: AUTOIMMUNE POLYENDOCRINE SYNDROME, TYPE I, WITH OR WITHOUT REVERSIBLE METAPHYSEAL DYSPLASIA; APS I; HYPOADRENOCORTICISM WITH HYPOPARATHYROIDISM AND SUPERFICIAL MONILIASIS; Autoimmune polyendocrine syndrome type 1; Autoimmune polyendocrinopathy syndrome, type I; PGA I. Identifiers: Orphanet 3453, MedGen C0085859, MONDO:0009411, OMIM 240300.

Allele frequency attached by ClinVar (database versions not stated): gnomAD 0.00003; TOPMed 0.00003; gnomAD exomes 0.00004; ExAC 0.00005; ESP Exome Variant Server 0.00008; 1000 Genomes Project 30x 0.00016; 1000 Genomes Project 0.00020.

Submission:

Labcorp Genetics (formerly Invitae), Labcorp
Classification: Uncertain significance for Polyglandular autoimmune syndrome, type 1. Last evaluated: 2025-08-24. Review status: criteria provided, single submitter. Criteria: Invitae Variant Classification Sherloc (09022015). Collection method: clinical testing. Allele origin: germline.
Comment: This sequence change replaces arginine, which is basic and polar, with histidine, which is basic and polar, at codon 433 of the AIRE protein (p.Arg433His). This variant is present in population databases (rs376768936, gnomAD 0.02%). This variant has not been reported in the literature in individuals affected with AIRE-related conditions. ClinVar contains an entry for this variant (Variation ID: 2075793). Invitae Evidence Modeling of protein sequence and biophysical properties (such as structural, functional, and spatial information, amino acid conservation, physicochemical variation, residue mobility, and thermodynamic stability) has been performed for this missense variant. However, the output from this modeling did not meet the statistical confidence thresholds required to predict the impact of this variant on AIRE protein function. In summary, the available evidence is currently insufficient to determine the role of this variant in disease. Therefore, it has been classified as a Variant of Uncertain Significance.